The following is an entry in ClinVar:

NM_001001331.4(ATP2B2):c.3654C>T (p.Asn1218=)

Gene: ATP2B2 (ATPase plasma membrane Ca2+ transporting 2; minus strand). Cytogenetic location: 3p25.3.
Variant type: single nucleotide variant.
Coding change: c.3654C>T on transcript NM_001001331.4 (MANE Select); coding-DNA position 3654, C replaced by T.
Protein change: p.Asn1218=; no amino-acid change (asparagine 1218 retained).
Molecular consequence: synonymous variant. On other transcripts: 3 prime UTR variant (2).
Genome position (GRCh38, 1-based): chr3:10,328,892, G>A on the plus strand (C>T on the coding strand, the complement: ATP2B2 is on the minus strand). VCF-style: chr3-10328892-G-A. GRCh37 (hg19) VCF-style: chr3-10370576-G-A.
Other names: c.*281C>T (NM_001330611.3); c.3519C>T, p.Asn1173= (NM_001353564.1, NM_001683.5); c.*208C>T (NM_001363862.1).
Identifiers: ClinVar variation 1632321 (VCV001632321.34), dbSNP rs150065117, ClinGen allele CA2253044.

ClinVar aggregate classification (germline): Likely benign. Review status: criteria provided, multiple submitters, no conflicts (2 of 4 stars). 4 submissions from 4 submitters: Likely benign (4). Last evaluated 2026-04-10.

Allele frequency attached by ClinVar (database versions not stated): gnomAD exomes 0.00006 and 0.00008; ExAC 0.00008; gnomAD 0.00009; TOPMed 0.00010; ESP Exome Variant Server 0.00015; 1000 Genomes Project 0.00040; 1000 Genomes Project 30x 0.00047.
gnomAD v4.1: 106 of 1,614,024 alleles (0.0066%); highest among the groups gnomAD compares: Admixed American, 0.03%; no homozygotes.

Submissions (4):

Women's Health and Genetics/Laboratory Corporation of America, LabCorp
Classification: Likely benign. Last evaluated: 2026-04-10. Review status: criteria provided, single submitter. Criteria: LabCorp Variant Classification Summary - May 2015. Collection method: clinical testing. Allele origin: germline.

CeGaT Center for Human Genetics Tuebingen
Classification: Likely benign. Last evaluated: 2025-04-01. Review status: criteria provided, single submitter. Criteria: CeGaT Center For Human Genetics Tuebingen Variant Classification Criteria Version 2. Collection method: clinical testing. Allele origin: germline. Affected: yes. Observed: 2 variant alleles.
Comment: ATP2B2: BP4, BP7

Blueprint Genetics
Classification: Likely benign. Last evaluated: 2024-07-04. Review status: criteria provided, single submitter. Criteria: ACMG Guidelines, 2015. Collection method: clinical testing. Allele origin: germline.

Labcorp Genetics (formerly Invitae), Labcorp
Classification: Likely benign. Last evaluated: 2023-02-27. Review status: criteria provided, single submitter. Criteria: Invitae Variant Classification Sherloc (09022015). Collection method: clinical testing. Allele origin: germline.